The following is an entry in ClinVar:

ClinVar aggregate classification (germline): Pathogenic/Likely pathogenic. Review status: criteria provided, multiple submitters, no conflicts (2 of 4 stars). 7 submissions from 7 submitters: Pathogenic (2); Likely pathogenic (3). 2 of the submissions do not count toward it. Last evaluated 2026-01-31.

Conditions:
NEU1-related disorder. Also called: NEU1-related condition.
Sialidosis. Identifiers: Orphanet 309294, MedGen C0268226, MONDO:0017734.
Sialidosis type 1. Also called: Sialidosis type I; Cherry red spot myoclonus syndrome. Identifiers: Orphanet 812, MedGen C0023806, MONDO:0019346.

Allele frequency attached by ClinVar (database versions not stated): gnomAD exomes 0.00002 and 0.00006; gnomAD 0.00017; TOPMed 0.00019; 1000 Genomes Project 0.00020; ExAC 0.00009; 1000 Genomes Project 30x 0.00016.

Submissions (7):

Labcorp Genetics (formerly Invitae), Labcorp
Classification: Likely pathogenic. Last evaluated: 2026-01-31. Review status: criteria provided, single submitter. Criteria: Invitae Variant Classification Sherloc (09022015). Collection method: clinical testing. Allele origin: germline.
Comment: This sequence change replaces valine, which is neutral and non-polar, with methionine, which is neutral and non-polar, at codon 217 of the NEU1 protein (p.Val217Met). This variant is present in population databases (rs28940583, gnomAD 0.07%). This missense change has been observed in individual(s) with sialidosis type I (PMID: 10944856, 32485644). ClinVar contains an entry for this variant (Variation ID: 2449). Invitae Evidence Modeling of protein sequence and biophysical properties (such as structural, functional, and spatial information, amino acid conservation, physicochemical variation, residue mobility, and thermodynamic stability) indicates that this missense variant is not expected to disrupt NEU1 protein function with a negative predictive value of 80%. Experimental studies have shown that this missense change affects NEU1 function (PMID: 10944856, 11829139). In summary, the currently available evidence indicates that the variant is pathogenic, but additional data are needed to prove that conclusively. Therefore, this variant has been classified as Likely Pathogenic.

Women's Health and Genetics/Laboratory Corporation of America, LabCorp
Classification: Likely pathogenic for Sialidosis. Last evaluated: 2023-12-13. Review status: criteria provided, single submitter. Criteria: LabCorp Variant Classification Summary - May 2015. Collection method: clinical testing. Allele origin: germline.
Comment: Variant summary: NEU1 c.649G>A (p.Val217Met) results in a conservative amino acid change located in the sialidase domain (IPR011040) of the encoded protein sequence. Four of five in-silico tools predict a damaging effect of the variant on protein function. The variant allele was found at a frequency of 5.9e-05 in 253430 control chromosomes (gnomAD and Kausthubham_2021). This frequency is not higher than expected for a pathogenic variant in NEU1 causing Sialidosis (5.9e-05 vs 0.0011), allowing no conclusion about variant significance. c.649G>A has been reported in the literature in at least three individuals affected with Sialidosis, type I (e.g. Naganawa_2000, Han_2020, Riboldi_2021). These data indicate that the variant is likely to be associated with disease. Experimental evidence evaluating an impact on protein function demonstrated the variant was partly transported to lysosomes, and showed some residual enzyme activity (Naganawa_2000). The following publications have been ascertained in the context of this evaluation (PMID: 32485644, 33502066, 10944856, 34992946, 16538002). Four submitters have cited clinical-significance assessments for this variant to ClinVar after 2014. All submitters classified the variant as pathogenic/likely pathogenic. Based on the evidence outlined above, the variant was classified as likely pathogenic.

Mayo Clinic Laboratories, Mayo Clinic
Classification: Pathogenic. Last evaluated: 2023-04-21. Review status: criteria provided, single submitter. Criteria: ACMG Guidelines, 2015. Collection method: clinical testing. Allele origin: germline. Observed: 2 variant alleles.
Comment: PP1, PM2, PM3, PS3, PS4_moderate

GeneDx
Classification: Pathogenic. Last evaluated: 2017-01-28. Review status: criteria provided, single submitter. Criteria: GeneDx Variant Classification (06012015). Collection method: clinical testing. Allele origin: germline. Affected: yes.
Comment: The V217M variant in the NEU1 gene has previously been reported in two unrelated individuals with late-onset sialidosis who were also compound heterozygous for another variant in the NEU1 gene (Naganawa et al., 2000). Functional analysis of V217M found that it is associated with significantly reduced, but not absent enzyme activity compared to wild-type (Naganawa et al., 2000). Therefore we interpret V217M to be a pathogenic variant.

Eurofins Ntd Llc (ga)
Classification: Likely pathogenic. Last evaluated: 2015-11-06. Review status: criteria provided, single submitter. Criteria: EGL Classification Definitions 2015. Collection method: clinical testing. Allele origin: germline. Observed: 2 variant alleles, 2 heterozygotes.

PreventionGenetics, part of Exact Sciences
Classification: Likely pathogenic for NEU1-related condition. Last evaluated: 2024-06-03. Review status: no assertion criteria provided. Collection method: clinical testing. Allele origin: germline. Not counted in ClinVar's aggregate classification.
Comment: The NEU1 c.649G>A variant is predicted to result in the amino acid substitution p.Val217Met. This variant was reported in a compound heterozygous individual with sialidosis (Naganawa et al. 2000. PubMed ID: 10944856; Uchihara et al. 2009. PubMed ID: 19415310; Tatano et al. 2006. PubMed ID: 16538002). This variant is reported in 0.072% of alleles in individuals of African descent in gnomAD. This variant is interpreted as likely pathogenic.

OMIM
Classification: Pathogenic for SIALIDOSIS, TYPE I. Last evaluated: 2000-01-01. Review status: no assertion criteria provided. Collection method: literature only. Allele origin: germline. Not counted in ClinVar's aggregate classification.

Literature cited by the submitters: PubMed 10944856 (cited by 5 submitters); PubMed 32485644 (cited by 3 submitters); PubMed 11829139 (cited by Labcorp Genetics (formerly Invitae), Labcorp); PubMed 16538002 (cited by Women's Health and Genetics/Laboratory Corporation of America, LabCorp and Mayo Clinic Laboratories, Mayo Clinic); PubMed 33502066 (cited by Women's Health and Genetics/Laboratory Corporation of America, LabCorp); PubMed 34992946 (cited by Women's Health and Genetics/Laboratory Corporation of America, LabCorp); PubMed 16361247 (cited by Mayo Clinic Laboratories, Mayo Clinic); PubMed 19415310 (cited by Mayo Clinic Laboratories, Mayo Clinic); PubMed 20706754 (cited by Mayo Clinic Laboratories, Mayo Clinic).

NM_000434.4(NEU1):c.649G>A (p.Val217Met)

Gene: NEU1 (neuraminidase 1; minus strand). Cytogenetic location: 6p21.33.
Variant type: single nucleotide variant.
Coding change: c.649G>A on transcript NM_000434.4 (MANE Select); coding-DNA position 649, G replaced by A.
Protein change: p.Val217Met; replaces valine 217 with methionine.
Molecular consequence: missense variant.
Genome position (GRCh38, 1-based): chr6:31,860,588, C>T on the plus strand (G>A on the coding strand, the complement: NEU1 is on the minus strand). VCF-style: chr6-31860588-C-T. GRCh37 (hg19) VCF-style: chr6-31828365-C-T.
Other names: short protein forms V217M.
Identifiers: ClinVar variation 2449 (VCV000002449.22), dbSNP rs28940583, ClinGen allele CA115560.